The following is an entry in ClinVar:

ClinVar aggregate classification (germline): Uncertain significance. Review status: criteria provided, multiple submitters, no conflicts (2 of 4 stars). 2 submissions from 2 submitters: Uncertain significance (2). Last evaluated 2023-11-30.

Conditions:
Cardiomyopathy (CMYO). Also called: Cardiomyopathies. Identifiers: Orphanet 167848, MedGen C0878544, MONDO:0004994, HP:0001638. Inheritance: Various modes of inheritance.
Cardiovascular phenotype. Identifiers: MedGen CN230736.

gnomAD v4.1: 1 of 1,614,210 alleles (0.000062%); highest among the groups gnomAD compares: Non-Finnish European, 0.000085%; no homozygotes.

Submissions (2):

All of Us Research Program, National Institutes of Health
Classification: Uncertain significance for Cardiomyopathy. Last evaluated: 2023-11-30. Review status: criteria provided, single submitter. Criteria: ACMG Guidelines, 2015. Collection method: clinical testing. Allele origin: germline. Inheritance: Autosomal dominant inheritance. Observed: 1 variant allele, 1 heterozygote.
Comment: This study involves interpretation of variants in research participants for the purpose of population health screening. Participant phenotype was not available at the time of variant classification. Additional details can be found in publication PMID: 35346344, PMCID: PMC8962531

Ambry Genetics
Classification: Uncertain significance for Cardiovascular phenotype. Last evaluated: 2018-08-14. Review status: criteria provided, single submitter. Criteria: Ambry Variant Classification Scheme 2023. Collection method: clinical testing. Allele origin: germline.
Comment: The p.V411F variant (also known as c.1231G>T), located in coding exon 11 of the MYH7 gene, results from a G to T substitution at nucleotide position 1231. The valine at codon 411 is replaced by phenylalanine, an amino acid with highly similar properties. An alternate substitution at this position, p.V411I (c.1231G>A) has been reported in multiple hypertrophic cardiomyopathy cohorts; however, clinical details were limited (Erdmann J et al. Clin. Genet., 2003 Oct;64:339-49; Millat G et al. Eur J Med Genet 2010 Jul;53:261-7). This amino acid position is highly conserved in available vertebrate species. In addition, this alteration is predicted to be deleterious by in silico analysis. Since supporting evidence is limited at this time, the clinical significance of this alteration remains unclear.

NM_000257.4(MYH7):c.1231G>T (p.Val411Phe)

Gene: MYH7 (myosin heavy chain 7; minus strand). Cytogenetic location: 14q11.2.
Variant type: single nucleotide variant.
Coding change: c.1231G>T on transcript NM_000257.4 (MANE Select); coding-DNA position 1231, G replaced by T.
Protein change: p.Val411Phe; replaces valine 411 with phenylalanine.
Molecular consequence: missense variant.
Genome position (GRCh38, 1-based): chr14:23,429,255, C>A on the plus strand (G>T on the coding strand, the complement: MYH7 is on the minus strand). VCF-style: chr14-23429255-C-A. GRCh37 (hg19) VCF-style: chr14-23898464-C-A.
Other names: c.1231G>T, p.Val411Phe (NM_001407004.1); short protein forms V411F.
Identifiers: ClinVar variation 1755743 (VCV001755743.3), dbSNP rs730880868, ClinGen allele CA389051073.
Genomic context (GRCh38, chr14:23,429,255, plus strand): 5'-CTGCCCACCCATTATCATCTGAAGATGGACCCACCTGCTGGACATTCTGCCCCTTGGTGA[C>A]GTACTCATTGCCCACTTTCACCCGAGGGTGGCACAGCCCCTTGAGCAGGTCGGCTGAGTT-3'
Protein context (NP_000248.2, residues 401-421): HPRVKVGNEY[Val411Phe]TKGQNVQQVI